The following is an entry in ClinVar:

NM_000540.3(RYR1):c.12981G>C (p.Glu4327Asp)

Gene: RYR1 (ryanodine receptor 1; plus strand). Cytogenetic location: 19q13.2.
Variant type: single nucleotide variant.
Coding change: c.12981G>C on transcript NM_000540.3 (MANE Select); coding-DNA position 12981, G replaced by C.
Protein change: p.Glu4327Asp; replaces glutamic acid 4327 with aspartic acid.
Molecular consequence: missense variant.
Genome position (GRCh38, 1-based): chr19:38,565,315, G>C. VCF-style: chr19-38565315-G-C. GRCh37 (hg19) VCF-style: chr19-39055955-G-C.
Other names: c.12966G>C, p.Glu4322Asp (NM_001042723.2); short protein forms E4322D, E4327D.
Identifiers: ClinVar variation 2142841 (VCV002142841.3), dbSNP rs1432198888, ClinGen allele CA405672825.
Genomic context (GRCh38, chr19:38,565,315, plus strand): 5'-CCTCAGCTACCGCAGCCTGCGGCGGCGCGTGCGGCGGCTGCGGCGGCTTACGGCCCGCGA[G>C]GCGGCCACCGCAGTGGCGGCGCTGCTCTGGGCAGCAGTGACGCGCGCTGGGGCCGCTGGC-3'
Protein context (NP_000531.2, residues 4317-4337): VRRLRRLTAR[Glu4327Asp]AATAVAALLW

ClinVar aggregate classification (germline): Uncertain significance (1 of 4 stars; one submission).

Conditions:
RYR1-related disorder. Also called: RYR1-related condition; RYR1-related disorders. Identifiers: MedGen CN239331.

Allele frequency attached by ClinVar (database versions not stated): gnomAD exomes below 0.00001; TOPMed below 0.00001.
gnomAD v4.1: 4 of 1,150,300 alleles (0.00035%); highest among the groups gnomAD compares: Non-Finnish European, 0.00021%; no homozygotes.

Submission:

Labcorp Genetics (formerly Invitae), Labcorp
Classification: Uncertain significance for RYR1-related disorder. Last evaluated: 2024-12-15. Review status: criteria provided, single submitter. Criteria: Invitae Variant Classification Sherloc (09022015). Collection method: clinical testing. Allele origin: germline.
Comment: This sequence change replaces glutamic acid, which is acidic and polar, with aspartic acid, which is acidic and polar, at codon 4327 of the RYR1 protein (p.Glu4327Asp). This variant is not present in population databases (gnomAD no frequency). This variant has not been reported in the literature in individuals affected with RYR1-related conditions. ClinVar contains an entry for this variant (Variation ID: 2142841). Invitae Evidence Modeling of protein sequence and biophysical properties (such as structural, functional, and spatial information, amino acid conservation, physicochemical variation, residue mobility, and thermodynamic stability) has been performed for this missense variant. However, the output from this modeling did not meet the statistical confidence thresholds required to predict the impact of this variant on RYR1 protein function. In summary, the available evidence is currently insufficient to determine the role of this variant in disease. Therefore, it has been classified as a Variant of Uncertain Significance.